The following is an entry in ClinVar:

NM_001375524.1(TRRAP):c.8683C>T (p.Arg2895Cys)

Gene: TRRAP (transformation/transcription domain associated protein; plus strand). Cytogenetic location: 7q22.1.
Variant type: single nucleotide variant.
Coding change: c.8683C>T on transcript NM_001375524.1 (MANE Select); coding-DNA position 8683, C replaced by T.
Protein change: p.Arg2895Cys; replaces arginine 2895 with cysteine.
Molecular consequence: missense variant.
Genome position (GRCh38, 1-based): chr7:98,981,817, C>T. VCF-style: chr7-98981817-C-T. GRCh37 (hg19) VCF-style: chr7-98579440-C-T.
Other names: c.8662C>T, p.Arg2888Cys (NM_001244580.2); c.8608C>T, p.Arg2870Cys (NM_003496.4); short protein forms R2888C, R2895C, R2870C.
Identifiers: ClinVar variation 3010494 (VCV003010494.3), dbSNP rs1345967775, ClinGen allele CA368310116.

ClinVar aggregate classification (germline): Uncertain significance (1 of 4 stars; one submission).

Allele frequency attached by ClinVar (database versions not stated): gnomAD exomes below 0.00001; TOPMed below 0.00001.

Submission:

Labcorp Genetics (formerly Invitae), Labcorp
Classification: Uncertain significance. Last evaluated: 2023-03-30. Review status: criteria provided, single submitter. Criteria: Invitae Variant Classification Sherloc (09022015). Collection method: clinical testing. Allele origin: germline.
Comment: This variant is not present in population databases (gnomAD no frequency). This sequence change replaces arginine, which is basic and polar, with cysteine, which is neutral and slightly polar, at codon 2870 of the TRRAP protein (p.Arg2870Cys). This variant has not been reported in the literature in individuals affected with TRRAP-related conditions. Advanced modeling of protein sequence and biophysical properties (such as structural, functional, and spatial information, amino acid conservation, physicochemical variation, residue mobility, and thermodynamic stability) performed at Invitae indicates that this missense variant is expected to disrupt TRRAP protein function. In summary, the available evidence is currently insufficient to determine the role of this variant in disease. Therefore, it has been classified as a Variant of Uncertain Significance.